The following is an entry in ClinVar:

NM_058216.3(RAD51C):c.227C>A (p.Ala76Asp)

Gene: RAD51C (RAD51 paralog C; plus strand). Cytogenetic location: 17q22.
Variant type: single nucleotide variant.
Coding change: c.227C>A on transcript NM_058216.3 (MANE Select); coding-DNA position 227, C replaced by A.
Protein change: p.Ala76Asp; replaces alanine 76 with aspartic acid.
Molecular consequence: missense variant. On other transcripts: non-coding transcript variant (2).
Genome position (GRCh38, 1-based): chr17:58,695,012, C>A. VCF-style: chr17-58695012-C-A. GRCh37 (hg19) VCF-style: chr17-56772373-C-A.
Other names: c.227C>A, p.Ala76Asp (NM_002876.4); short protein forms A76D.
Identifiers: ClinVar variation 1350925 (VCV001350925.8), dbSNP rs760175119, ClinGen allele CA400340192.

ClinVar aggregate classification (germline): Uncertain significance (1 of 4 stars; one submission).

Conditions:
Fanconi anemia complementation group O. Also called: RAD51C-Related Fanconi Anemia. Identifiers: Orphanet 84, MedGen C3150653, MONDO:0013248, OMIM 613390.

Submission:

Labcorp Genetics (formerly Invitae), Labcorp
Classification: Uncertain significance for Fanconi anemia complementation group O. Last evaluated: 2024-10-28. Review status: criteria provided, single submitter. Criteria: Invitae Variant Classification Sherloc (09022015). Collection method: clinical testing. Allele origin: germline.
Comment: This sequence change replaces alanine, which is neutral and non-polar, with aspartic acid, which is acidic and polar, at codon 76 of the RAD51C protein (p.Ala76Asp). This variant is not present in population databases (gnomAD no frequency). This variant has not been reported in the literature in individuals affected with RAD51C-related conditions. ClinVar contains an entry for this variant (Variation ID: 1350925). An algorithm developed to predict the effect of missense changes on protein structure and function outputs the following: PolyPhen-2: "Benign". The aspartic acid amino acid residue is found in multiple mammalian species, which suggests that this missense change does not adversely affect protein function. In summary, the available evidence is currently insufficient to determine the role of this variant in disease. Therefore, it has been classified as a Variant of Uncertain Significance.